The following is an entry in ClinVar:

ClinVar aggregate classification (germline): Uncertain significance (1 of 4 stars; one submission).

Submission:

Ambry Genetics
Classification: Uncertain significance. Last evaluated: 2023-01-05. Review status: criteria provided, single submitter. Criteria: Ambry Variant Classification Scheme 2023. Collection method: clinical testing. Allele origin: germline.
Comment: The p.D599E variant (also known as c.1797C>A), located in coding exon 16 of the BUB1 gene, results from a C to A substitution at nucleotide position 1797. The aspartic acid at codon 599 is replaced by glutamic acid, an amino acid with highly similar properties. This amino acid position is conserved. In addition, this alteration is predicted to be tolerated by in silico analysis. Since supporting evidence is limited at this time, the clinical significance of this alteration remains unclear.

NM_004336.5(BUB1):c.1797C>A (p.Asp599Glu)

Gene: BUB1 (BUB1 mitotic checkpoint serine/threonine kinase; minus strand). Cytogenetic location: 2q13.
Variant type: single nucleotide variant.
Coding change: c.1797C>A on transcript NM_004336.5 (MANE Select); coding-DNA position 1797, C replaced by A.
Protein change: p.Asp599Glu; replaces aspartic acid 599 with glutamic acid.
Molecular consequence: missense variant.
Genome position (GRCh38, 1-based): chr2:110,655,818, G>T on the plus strand (C>A on the coding strand, the complement: BUB1 is on the minus strand). VCF-style: chr2-110655818-G-T. GRCh37 (hg19) VCF-style: chr2-111413395-G-T.
Other names: c.1737C>A, p.Asp579Glu (NM_001278616.2); c.1797C>A, p.Asp599Glu (NM_001278617.2); short protein forms D599E, D579E.
Identifiers: ClinVar variation 2451248 (VCV002451248.2), dbSNP rs2468001913, ClinGen allele CA348210781.
Genomic context (GRCh38, chr2:110,655,818, plus strand): 5'-CACTGACTCCACTGGAAGCTTGTGGAATGGTGTAGACGCAAGTTGTGCAGCAGATGTGAA[G>T]TCTCCTGGGCTCTTAGGACTGGGTGCCAGGGTTTTGTTGCAGCGAATACCCCATACAGTT-3'
Protein context (NP_004327.1, residues 589-609): TLAPSPKSPG[Asp599Glu]FTSAAQLAST